The following is an entry in ClinVar:

ClinVar aggregate classification (germline): Conflicting classifications of pathogenicity. Review status: criteria provided, conflicting classifications (1 of 4 stars). 10 submissions from 9 submitters: Uncertain significance (7); Benign (1); Likely benign (1). 1 of the submissions does not count toward it. Last evaluated 2026-01-27.

Conditions:
NOTCH1-related disorder. Also called: NOTCH1-related condition; NOTCH1-related disorders.
Familial thoracic aortic aneurysm and aortic dissection (TAAD). Also called: Thoracic aortic aneurysms and dissections. Identifiers: Orphanet 91387, MedGen C4707243, MONDO:0019625.
Adams-Oliver syndrome 5 (AOS5). Identifiers: Orphanet 974, MedGen C4014970, MONDO:0014459, OMIM 616028.
Pulmonary arterial hypertension. Identifiers: Orphanet 182090, MedGen C2973725, MeSH D000081029, MONDO:0015924, HP:0002092.
Aortic valve disease 1 (AOVD1). Identifiers: MedGen C3887892, MONDO:0024523, OMIM 109730.

Allele frequency attached by ClinVar (database versions not stated): ExAC 0.00003; gnomAD exomes 0.00005 and 0.00011; TOPMed 0.00007; gnomAD 0.00010.
gnomAD v4.1: 172 of 1,613,162 alleles (0.011%); highest among the groups gnomAD compares: Non-Finnish European, 0.013%; no homozygotes.

Submissions (10):

Labcorp Genetics (formerly Invitae), Labcorp
Classification: Benign for Adams-Oliver syndrome 5. Last evaluated: 2026-01-27. Review status: criteria provided, single submitter. Criteria: Invitae Variant Classification Sherloc (09022015). Collection method: clinical testing. Allele origin: germline.

Ambry Genetics
Classification: Uncertain significance for Familial thoracic aortic aneurysm and aortic dissection. Last evaluated: 2025-09-18. Review status: criteria provided, single submitter. Criteria: Ambry Variant Classification Scheme 2023. Collection method: clinical testing. Allele origin: germline.
Comment: The p.L1805P variant (also known as c.5414T>C), located in coding exon 29 of the NOTCH1 gene, results from a T to C substitution at nucleotide position 5414. The leucine at codon 1805 is replaced by proline, an amino acid with similar properties. This variant was reported in individual(s) with bicuspid aortic valve (Girdauskas E et al. Eur J Cardiothorac Surg, 2017 Jul;52:156-162; Gillis E et al. Front Physiol, 2017 Jun;8:400). This amino acid position is well conserved in available vertebrate species. In addition, this alteration is predicted to be deleterious by in silico analysis. Based on the available evidence, the clinical significance of this variant remains unclear.

Centre of Medical Genetics, University of Antwerp
Classification: Uncertain significance for Familial thoracic aortic aneurysm and aortic dissection. Last evaluated: 2024-09-06. Review status: criteria provided, single submitter. Criteria: ACMG Guidelines, 2015. Collection method: clinical testing. Allele origin: germline. Affected: yes.

Blueprint Genetics
Classification: Likely benign. Last evaluated: 2023-08-25. Review status: criteria provided, single submitter. Criteria: ACMG Guidelines, 2015. Collection method: clinical testing. Allele origin: germline.

PreventionGenetics, part of Exact Sciences
Classification: Uncertain significance for NOTCH1-related condition. Last evaluated: 2023-06-22. Review status: criteria provided, single submitter. Criteria: ACMG Guidelines, 2015. Collection method: clinical testing. Allele origin: germline.
Comment: The NOTCH1 c.5414T>C variant is predicted to result in the amino acid substitution p.Leu1805Pro. This variant was reported in a study of individuals with bicuspid aortic valve-associated aortopathy, however additional details were not provided (Girdauskas et al. 2017. PubMed ID: 28387797; Girdauskas et al. 2018. PubMed ID: 30059548). This variant is reported in 0.011% of alleles in individuals of European (Non-Finnish) descent in gnomAD. At this time, the clinical significance of this variant is uncertain due to the absence of conclusive functional and genetic evidence.

ARUP Laboratories, Molecular Genetics and Genomics, ARUP Laboratories
Classification: Uncertain significance. Last evaluated: 2023-05-09. Review status: criteria provided, single submitter. Criteria: ARUP Molecular Germline Variant Investigation Process 2024. Collection method: clinical testing. Allele origin: germline.
Comment: The NOTCH1 c.5414T>C; p.Leu1805Pro variant (rs201779159) is reported in the literature in an individual affected with bicuspid aortic valve disease (Girdauskas 2017). This variant is reported in ClinVar (Variation ID: 499922) and if found in the non-Finnish European population with an allele frequency of 0.0109% (14/128,060 alleles) in the Genome Aggregation Database. Computational analyses are uncertain whether this variant is neutral or deleterious (REVEL: 0.648). Due to limited information, the clinical significance of this variant is uncertain at this time. References: Girdauskas E et al. Genetic abnormalities in bicuspid aortic valve root phenotype: preliminary results. Eur J Cardiothorac Surg. 2017 Jul 1;52(1):156-162. PMID: 28387797.

Genome-Nilou Lab
Classification: Uncertain significance for Adams-Oliver syndrome 5. Last evaluated: 2022-03-15. Review status: criteria provided, single submitter. Criteria: ACMG Guidelines, 2015. Collection method: clinical testing. Allele origin: germline. Affected: no.

Genome-Nilou Lab
Classification: Uncertain significance for Aortic valve disease 1. Last evaluated: 2022-03-15. Review status: criteria provided, single submitter. Criteria: ACMG Guidelines, 2015. Collection method: clinical testing. Allele origin: germline. Affected: no.

Eurofins Ntd Llc (ga)
Classification: Uncertain significance. Last evaluated: 2017-01-27. Review status: criteria provided, single submitter. Criteria: EGL Classification Definitions 2015. Collection method: clinical testing. Allele origin: germline. Observed: 1 variant allele, 1 heterozygote.

John Welsh Cardiovascular Diagnostic Laboratory, Baylor College of Medicine
Classification: Uncertain significance for Pulmonary arterial hypertension. Last evaluated: 2022-09-26. Review status: no assertion criteria provided. Criteria: ACMG Guidelines, 2015. Collection method: clinical testing. Allele origin: germline. Not counted in ClinVar's aggregate classification.

Literature cited by the submitters: PubMed 28387797 (cited by Ambry Genetics); PubMed 28659821 (cited by Ambry Genetics); PubMed 30059548 (cited by Ambry Genetics).

NM_017617.5(NOTCH1):c.5414T>C (p.Leu1805Pro)

Gene: NOTCH1 (notch receptor 1; minus strand). Cytogenetic location: 9q34.3.
Variant type: single nucleotide variant.
Coding change: c.5414T>C on transcript NM_017617.5 (MANE Select); coding-DNA position 5414, T replaced by C.
Protein change: p.Leu1805Pro; replaces leucine 1805 with proline.
Molecular consequence: missense variant.
Genome position (GRCh38, 1-based): chr9:136,502,059, A>G on the plus strand (T>C on the coding strand, the complement: NOTCH1 is on the minus strand). VCF-style: chr9-136502059-A-G. GRCh37 (hg19) VCF-style: chr9-139396511-A-G.
Other names: c.5414T>C, p.Leu1805Pro (LRG_1122t1); c.5414T>C (NM_017617.4); short protein forms L1805P.
Identifiers: ClinVar variation 499922 (VCV000499922.24), dbSNP rs201779159, ClinGen allele CA5340279.
Genomic context (GRCh38, chr9:136,502,059, plus strand): 5'-ACCCGGAACTTCTTGGTCTCCAGGTCCTCGTCCCCCCACTCATTCTGGTTGTCGTCCATG[A>G]GGGCACCGTCTGAAGCGTTCTTCAGGGGCCTGGGGGGTGAGGGGTCGAGAAGTGAGGCTG-3'
Protein context (NP_060087.3, residues 1795-1815): KPLKNASDGA[Leu1805Pro]MDDNQNEWGD